The following is an entry in ClinVar:

ClinVar aggregate classification (germline): Uncertain significance. Review status: criteria provided, multiple submitters, no conflicts (2 of 4 stars). 6 submissions from 2 submitters: Uncertain significance (6). Last evaluated 2024-12-18.

Conditions:
TTN-related disorder. Also called: TTN-related condition; TTN-related disease; TTN-related disorders.
Dilated cardiomyopathy 1G (CMD1G). Identifiers: Orphanet 154, MedGen C1858763, MONDO:0011400, OMIM 604145.
Myopathy, myofibrillar, 9, with early respiratory failure (MFM9). Also called: Myopathy, distal, with early respiratory failure, autosomal dominant; Hereditary myopathy with early respiratory failure; EDSTROM MYOPATHY; MYOPATHY, PROXIMAL, WITH EARLY RESPIRATORY MUSCLE INVOLVEMENT. Identifiers: Orphanet 178464, Orphanet 34521, MedGen C1863599, MONDO:0011362, OMIM 603689.
Autosomal recessive limb-girdle muscular dystrophy type 2J (LGMDR10). Also called: MUSCULAR DYSTROPHY, LIMB-GIRDLE, AUTOSOMAL RECESSIVE 10; Limb-girdle muscular dystrophy, type 2J. Identifiers: Orphanet 140922, MedGen C1837342, MONDO:0012127, OMIM 608807.
Tibial muscular dystrophy (TMD). Also called: UDD MYOPATHY; Udd Distal Myopathy – Tibial Muscular Dystrophy; Tibial muscular dystrophy, tardive. Identifiers: Orphanet 609, MedGen C1838244, MONDO:0010870, OMIM 600334.
Early-onset myopathy with fatal cardiomyopathy (CMYO5). Also called: CONGENITAL MYOPATHY 5 WITH CARDIOMYOPATHY; Salih Myopathy. Identifiers: Orphanet 289377, MedGen C2673677, MONDO:0012714, OMIM 611705. Disease mechanism: loss of function.

Allele frequency attached by ClinVar (database versions not stated): TOPMed below 0.00001; ExAC 0.00001.
gnomAD v4.1: 17 of 1,613,552 alleles (0.0011%); highest among the groups gnomAD compares: Middle Eastern, 0.25%; no homozygotes.

Submissions (6):

PreventionGenetics, part of Exact Sciences
Classification: Uncertain significance for TTN-related condition. Last evaluated: 2024-12-18. Review status: criteria provided, single submitter. Criteria: ACMG Guidelines, 2015. Collection method: clinical testing. Allele origin: germline.
Comment: The TTN c.71956G>A variant is predicted to result in the amino acid substitution p.Val23986Ile. To our knowledge, this variant has not been reported in the literature. This variant is reported in 0.00089% of alleles in individuals of European (Non-Finnish) descent in gnomAD. At this time, the clinical significance of this variant is uncertain due to the absence of conclusive functional and genetic evidence.

Illumina Laboratory Services, Illumina
Classification: Uncertain significance for Myopathy, myofibrillar, 9, with early respiratory failure. Last evaluated: 2018-01-12. Review status: criteria provided, single submitter. Criteria: ICSL Variant Classification Criteria 13 December 2019. Collection method: clinical testing. Allele origin: germline.

Illumina Laboratory Services, Illumina
Classification: Uncertain significance for Early-onset myopathy with fatal cardiomyopathy. Last evaluated: 2018-01-12. Review status: criteria provided, single submitter. Criteria: ICSL Variant Classification Criteria 13 December 2019. Collection method: clinical testing. Allele origin: germline.

Illumina Laboratory Services, Illumina
Classification: Uncertain significance for Dilated cardiomyopathy 1G. Last evaluated: 2018-01-12. Review status: criteria provided, single submitter. Criteria: ICSL Variant Classification Criteria 13 December 2019. Collection method: clinical testing. Allele origin: germline.

Illumina Laboratory Services, Illumina
Classification: Uncertain significance for Tibial muscular dystrophy. Last evaluated: 2018-01-12. Review status: criteria provided, single submitter. Criteria: ICSL Variant Classification Criteria 13 December 2019. Collection method: clinical testing. Allele origin: germline.

Illumina Laboratory Services, Illumina
Classification: Uncertain significance for Autosomal recessive limb-girdle muscular dystrophy type 2J. Last evaluated: 2018-01-12. Review status: criteria provided, single submitter. Criteria: ICSL Variant Classification Criteria 13 December 2019. Collection method: clinical testing. Allele origin: germline.

NM_001267550.2(TTN):c.71956G>A (p.Val23986Ile)

Genes: TTN (titin; minus strand), TTN-AS1 (TTN antisense RNA 1; plus strand). Cytogenetic location: 2q31.2.
Variant type: single nucleotide variant.
Coding change: c.71956G>A on transcript NM_001267550.2 (MANE Select); coding-DNA position 71956, G replaced by A.
Protein change: p.Val23986Ile; replaces valine 23986 with isoleucine.
Molecular consequence: missense variant.
Genome position (GRCh38, 1-based): chr2:178,574,176, C>T on the plus strand (G>A on the coding strand, the complement: TTN is on the minus strand). VCF-style: chr2-178574176-C-T. GRCh37 (hg19) VCF-style: chr2-179438903-C-T.
Other names: c.67033G>A, p.Val22345Ile (NM_001256850.1); c.44761G>A, p.Val14921Ile (NM_003319.4); c.64252G>A, p.Val21418Ile (NM_133378.4); c.45136G>A, p.Val15046Ile (NM_133432.3); c.45337G>A, p.Val15113Ile (NM_133437.4); short protein forms V22345I, V23986I, V15046I, V21418I, V14921I, V15113I.
Identifiers: ClinVar variation 893941 (VCV000893941.5), dbSNP rs754373279, ClinGen allele CA1990563.